The following is an entry in ClinVar:

NM_001378609.3(OTOGL):c.3361C>T (p.Pro1121Ser)

Gene: OTOGL (otogelin like; plus strand). Cytogenetic location: 12q21.31.
Variant type: single nucleotide variant.
Coding change: c.3361C>T on transcript NM_001378609.3 (MANE Select); coding-DNA position 3361, C replaced by T.
Protein change: p.Pro1121Ser; replaces proline 1121 with serine.
Molecular consequence: missense variant.
Genome position (GRCh38, 1-based): chr12:80,310,638, C>T. VCF-style: chr12-80310638-C-T. GRCh37 (hg19) VCF-style: chr12-80704418-C-T.
Other names: c.3226C>T, p.Pro1076Ser (NM_001368062.3); c.3361C>T, p.Pro1121Ser (NM_001378610.3, NM_173591.7); c.3334C>T (NM_173591.3); short protein forms P1076S, P1121S.
Identifiers: ClinVar variation 1434343 (VCV001434343.7), dbSNP rs768918570, ClinGen allele CA6701042.

ClinVar aggregate classification (germline): Uncertain significance. Review status: criteria provided, multiple submitters, no conflicts (2 of 4 stars). 2 submissions from 2 submitters: Uncertain significance (2). Last evaluated 2022-07-05.

Conditions:
Inborn genetic diseases. Identifiers: MedGen C0950123, MeSH D030342.

Allele frequency attached by ClinVar (database versions not stated): TOPMed 0.00003; gnomAD 0.00004 and 0.00003.
gnomAD v4.1: 153 of 1,594,068 alleles (0.0096%); highest among the groups gnomAD compares: Non-Finnish European, 0.012%; no homozygotes.

Submissions (2):

Labcorp Genetics (formerly Invitae), Labcorp
Classification: Uncertain significance. Last evaluated: 2022-07-05. Review status: criteria provided, single submitter. Criteria: Invitae Variant Classification Sherloc (09022015). Collection method: clinical testing. Allele origin: germline.
Comment: In summary, the available evidence is currently insufficient to determine the role of this variant in disease. Therefore, it has been classified as a Variant of Uncertain Significance. Algorithms developed to predict the effect of missense changes on protein structure and function are either unavailable or do not agree on the potential impact of this missense change (SIFT: "Deleterious"; PolyPhen-2: "Probably Damaging"; Align-GVGD: "Class C0"). ClinVar contains an entry for this variant (Variation ID: 1434343). This variant has not been reported in the literature in individuals affected with OTOGL-related conditions. This variant is present in population databases (rs768918570, gnomAD 0.008%). This sequence change replaces proline, which is neutral and non-polar, with serine, which is neutral and polar, at codon 1112 of the OTOGL protein (p.Pro1112Ser).

Ambry Genetics
Classification: Uncertain significance for Inborn genetic diseases. Last evaluated: 2021-10-26. Review status: criteria provided, single submitter. Criteria: Ambry Variant Classification Scheme 2023. Collection method: clinical testing. Allele origin: germline.